The following is an entry in ClinVar:

ClinVar aggregate classification (germline): Uncertain significance (1 of 4 stars; one submission).

Allele frequency attached by ClinVar (database versions not stated): gnomAD exomes 0.00001; ExAC 0.00002.
gnomAD v4.1: 3 of 1,614,106 alleles (0.00019%); highest among the groups gnomAD compares: Admixed American, 0.0033%; no homozygotes.

Submission:

Labcorp Genetics (formerly Invitae), Labcorp
Classification: Uncertain significance. Last evaluated: 2021-09-21. Review status: criteria provided, single submitter. Criteria: Invitae Variant Classification Sherloc (09022015). Collection method: clinical testing. Allele origin: germline.
Comment: In summary, the available evidence is currently insufficient to determine the role of this variant in disease. Therefore, it has been classified as a Variant of Uncertain Significance. This sequence change replaces proline with leucine at codon 313 of the RNF216 protein (p.Pro313Leu). The proline residue is highly conserved and there is a moderate physicochemical difference between proline and leucine. This variant is present in population databases (rs774634750, ExAC 0.02%). This variant has not been reported in the literature in individuals affected with RNF216-related conditions. Algorithms developed to predict the effect of missense changes on protein structure and function are either unavailable or do not agree on the potential impact of this missense change (SIFT: "Deleterious"; PolyPhen-2: "Possibly Damaging"; Align-GVGD: "Class C0").

NM_207111.4(RNF216):c.938C>T (p.Pro313Leu)

Gene: RNF216 (ring finger protein 216; minus strand). Cytogenetic location: 7p22.1.
Variant type: single nucleotide variant.
Coding change: c.938C>T on transcript NM_207111.4 (MANE Select); coding-DNA position 938, C replaced by T.
Protein change: p.Pro313Leu; replaces proline 313 with leucine.
Molecular consequence: missense variant.
Genome position (GRCh38, 1-based): chr7:5,741,079, G>A on the plus strand (C>T on the coding strand, the complement: RNF216 is on the minus strand). VCF-style: chr7-5741079-G-A. GRCh37 (hg19) VCF-style: chr7-5780710-G-A.
Other names: c.767C>T, p.Pro256Leu (NM_001377156.1, NM_207116.3); short protein forms P256L, P313L.
Identifiers: ClinVar variation 1489922 (VCV001489922.6), dbSNP rs774634750, ClinGen allele CA4148411.
Genomic context (GRCh38, chr7:5,741,079, plus strand): 5'-GCTTCTTGCCCCCAAATGTTTTCCAAATTGGGCTCTTGAGATTCTTGCATTGGAAAGGCT[G>A]GACCTGGCTCTTCATCATCACTTGCTAACTGCTGGTCTTCAAACTCTCCTAGAGGATGGG-3'
Protein context (NP_996994.1, residues 303-323): QLASDDEEPG[Pro313Leu]AFPMQESQEP